The following is an entry in ClinVar:

ClinVar aggregate classification (germline): Uncertain significance. Review status: criteria provided, multiple submitters, no conflicts (2 of 4 stars). 2 submissions from 2 submitters: Uncertain significance (2). Last evaluated 2025-10-12.

Conditions:
Frontotemporal dementia and/or amyotrophic lateral sclerosis 1 (FTDALS1). Also called: Frontotemporal dementia with motor neuron disease 1; C9orf72 Frontotemporal Dementia and/or Amyotrophic Lateral Sclerosis. Identifiers: Orphanet 275872, MedGen C5779877, MONDO:0007105, OMIM 105550.
Paget disease of bone 2, early-onset (PDB2). Also called: Paget disease of bone 2. Identifiers: MedGen C4085251, MONDO:0011183, OMIM 602080.

gnomAD v4.1: 5 of 1,614,098 alleles (0.00031%); highest among the groups gnomAD compares: Non-Finnish European, 0.00034%; no homozygotes.

Submissions (2):

Labcorp Genetics (formerly Invitae), Labcorp
Classification: Uncertain significance for Paget disease of bone 2, early-onset; Frontotemporal dementia and/or amyotrophic lateral sclerosis 1. Last evaluated: 2025-10-12. Review status: criteria provided, single submitter. Criteria: Invitae Variant Classification Sherloc (09022015). Collection method: clinical testing. Allele origin: germline.
Comment: This sequence change replaces serine, which is neutral and polar, with tyrosine, which is neutral and polar, at codon 276 of the SQSTM1 protein (p.Ser276Tyr). This variant is not present in population databases (gnomAD no frequency). This variant has not been reported in the literature in individuals affected with SQSTM1-related conditions. Invitae Evidence Modeling of protein sequence and biophysical properties (such as structural, functional, and spatial information, amino acid conservation, physicochemical variation, residue mobility, and thermodynamic stability) indicates that this missense variant is not expected to disrupt SQSTM1 protein function with a negative predictive value of 80%. In summary, the available evidence is currently insufficient to determine the role of this variant in disease. Therefore, it has been classified as a Variant of Uncertain Significance.

GeneDx
Classification: Uncertain significance. Last evaluated: 2025-07-09. Review status: criteria provided, single submitter. Criteria: GeneDx Variant Classification Process June 2021. Collection method: clinical testing. Allele origin: germline. Affected: yes.
Comment: Not observed at significant frequency in large population cohorts (gnomAD); In silico analysis suggests that this missense variant does not alter protein structure/function; Has not been previously published as pathogenic or benign to our knowledge

NM_003900.5(SQSTM1):c.827C>A (p.Ser276Tyr)

Gene: SQSTM1 (sequestosome 1; plus strand). Cytogenetic location: 5q35.3.
Variant type: single nucleotide variant.
Coding change: c.827C>A on transcript NM_003900.5 (MANE Select); coding-DNA position 827, C replaced by A.
Protein change: p.Ser276Tyr; replaces serine 276 with tyrosine.
Molecular consequence: missense variant.
Genome position (GRCh38, 1-based): chr5:179,833,104, C>A. VCF-style: chr5-179833104-C-A. GRCh37 (hg19) VCF-style: chr5-179260104-C-A.
Other names: c.575C>A, p.Ser192Tyr (NM_001142298.2, NM_001142299.2); short protein forms S192Y, S276Y.
Identifiers: ClinVar variation 4685219 (VCV004685219.2).